The following is an entry in ClinVar:

ClinVar aggregate classification (germline): Benign (1 of 4 stars; one submission).

Conditions:
Cone-rod dystrophy 7 (CORD7). Identifiers: Orphanet 1872, MedGen C1863634, MONDO:0011355, OMIM 603649.

Allele frequency attached by ClinVar (database versions not stated): 1000 Genomes Project 0.12001; gnomAD 0.13021; gnomAD exomes 0.11449; TOPMed 0.11811; 1000 Genomes Project 30x 0.11602.
gnomAD v4.1: 19,156 of 152,630 alleles (13%); highest among the groups gnomAD compares: East Asian, 14%; 1,206 homozygotes.

Submission:

Illumina Laboratory Services, Illumina
Classification: Benign for Cone-rod dystrophy 7. Last evaluated: 2018-01-13. Review status: criteria provided, single submitter. Criteria: ICSL Variant Classification Criteria 13 December 2019. Collection method: clinical testing. Allele origin: germline.
Comment: This variant was observed in the ICSL laboratory as part of a predisposition screen in an ostensibly healthy population. It had not been previously curated by ICSL or reported in the Human Gene Mutation Database (HGMD: prior to June 1st, 2018), and was therefore a candidate for classification through an automated scoring system. Utilizing variant allele frequency, disease prevalence and penetrance estimates, and inheritance mode, an automated score was calculated to assess if this variant is too frequent to cause the disease. Based on the score and internal cut-off values, a variant classified as benign is not then subjected to further curation. The score for this variant resulted in a classification of benign for this disease.

NM_014989.7(RIMS1):c.*1964C>A

Gene: RIMS1 (regulating synaptic membrane exocytosis 1; plus strand). Cytogenetic location: 6q13.
Variant type: single nucleotide variant.
Coding change: c.*1964C>A on transcript NM_014989.7 (MANE Select); 1964 bases downstream of the stop codon, C replaced by A.
Molecular consequence: 3 prime UTR variant.
Genome position (GRCh38, 1-based): chr6:72,402,678, C>A. VCF-style: chr6-72402678-C-A. GRCh37 (hg19) VCF-style: chr6-73112380-C-A.
Other names: c.*1964C>A (NM_001168407.2, NM_001168408.2, NM_001168409.2 and 60 more transcripts).
Identifiers: ClinVar variation 357890 (VCV000357890.5), dbSNP rs1055270, ClinGen allele CA10622669.